The following is an entry in ClinVar:

NM_022124.6(CDH23):c.429+13G>A

Genes: CDH23 (cadherin related 23; plus strand), CDH23-AS1 (CDH23 antisense RNA 1; minus strand). Cytogenetic location: 10q22.1.
Variant type: single nucleotide variant.
Coding change: c.429+13G>A on transcript NM_022124.6 (MANE Select); 13 bases into the intron after coding-DNA position 429, G replaced by A.
Molecular consequence: intron variant.
Genome position (GRCh38, 1-based): chr10:71,511,225, G>A. VCF-style: chr10-71511225-G-A. GRCh37 (hg19) VCF-style: chr10-73270982-G-A.
Other names: c.429+13G>A (NM_001171930.2, NM_001171931.2, NM_052836.4 and 1 more transcripts).
Identifiers: ClinVar variation 45940 (VCV000045940.28), dbSNP rs3802719, ClinGen allele CA137420.

ClinVar aggregate classification (germline): Benign. Review status: criteria provided, multiple submitters, no conflicts (2 of 4 stars). 12 submissions from 10 submitters: Benign (10). 2 of the submissions do not count toward it. Last evaluated 2026-02-04.

Conditions:
Usher syndrome type 1D (USH1D). Also called: USHER SYNDROME, TYPE ID. Identifiers: Orphanet 231169, Orphanet 886, MedGen C1832845, MONDO:0010984, OMIM 601067.
Autosomal recessive nonsyndromic hearing loss 12. Also called: DEAFNESS, AUTOSOMAL RECESSIVE 12. Identifiers: Orphanet 90636, MedGen C1832394, MONDO:0011067, OMIM 601386.

Allele frequency attached by ClinVar (database versions not stated): gnomAD exomes 0.65894 and 0.66160; ExAC 0.66910; TOPMed 0.71888; 1000 Genomes Project 30x 0.72439; 1000 Genomes Project 0.72524; gnomAD 0.72806 and 0.73455; ESP Exome Variant Server 0.73965.
gnomAD v4.1: 1,076,461 of 1,610,480 alleles (67%); highest among the groups gnomAD compares: African/African-American, 91%; 364,431 homozygotes.

Submissions (12):

Labcorp Genetics (formerly Invitae), Labcorp
Classification: Benign. Last evaluated: 2026-02-04. Review status: criteria provided, single submitter. Criteria: Invitae Variant Classification Sherloc (09022015). Collection method: clinical testing. Allele origin: germline.

Women's Health and Genetics/Laboratory Corporation of America, LabCorp
Classification: Benign. Last evaluated: 2025-11-14. Review status: criteria provided, single submitter. Criteria: LabCorp Variant Classification Summary - May 2015. Collection method: clinical testing. Allele origin: germline.

Genome-Nilou Lab
Classification: Benign for Usher syndrome type 1D. Last evaluated: 2021-07-01. Review status: criteria provided, single submitter. Criteria: ACMG Guidelines, 2015. Collection method: clinical testing. Allele origin: germline. Affected: no.

Genome-Nilou Lab
Classification: Benign for Autosomal recessive nonsyndromic hearing loss 12. Last evaluated: 2021-07-01. Review status: criteria provided, single submitter. Criteria: ACMG Guidelines, 2015. Collection method: clinical testing. Allele origin: germline. Affected: no.

Illumina Laboratory Services, Illumina
Classification: Benign for Usher syndrome type 1D. Last evaluated: 2018-01-13. Review status: criteria provided, single submitter. Criteria: ICSL Variant Classification Criteria 13 December 2019. Collection method: clinical testing. Allele origin: germline.
Comment: This variant was observed in the ICSL laboratory as part of a predisposition screen in an ostensibly healthy population. It had not been previously curated by ICSL or reported in the Human Gene Mutation Database (HGMD: prior to June 1st, 2018), and was therefore a candidate for classification through an automated scoring system. Utilizing variant allele frequency, disease prevalence and penetrance estimates, and inheritance mode, an automated score was calculated to assess if this variant is too frequent to cause the disease. Based on the score and internal cut-off values, a variant classified as benign is not then subjected to further curation. The score for this variant resulted in a classification of benign for this disease.

Illumina Laboratory Services, Illumina
Classification: Benign for Autosomal recessive nonsyndromic hearing loss 12. Last evaluated: 2018-01-13. Review status: criteria provided, single submitter. Criteria: ICSL Variant Classification Criteria 13 December 2019. Collection method: clinical testing. Allele origin: germline.
Comment: the same text as in the submission from Illumina Laboratory Services, Illumina above.

GeneDx
Classification: Benign. Last evaluated: 2015-03-03. Review status: criteria provided, single submitter. Criteria: GeneDx Variant Classification Process June 2021. Collection method: clinical testing. Allele origin: germline. Affected: yes.

Laboratory for Molecular Medicine, Mass General Brigham Personalized Medicine
Classification: Benign. Last evaluated: 2012-02-02. Review status: criteria provided, single submitter. Criteria: LMM Criteria. Collection method: clinical testing. Allele origin: germline. Observed: 1,401 variant alleles.
Comment: Inferred frequency = 185/301

Breakthrough Genomics
Classification: Benign. Review status: criteria provided, single submitter. Criteria: ACMG Guidelines, 2015. Collection method: not provided. Allele origin: germline. Inheritance: Autosomal recessive inheritance. Affected: yes.

PreventionGenetics, part of Exact Sciences
Classification: Benign. Review status: criteria provided, single submitter. Criteria: ACMG Guidelines, 2015. Collection method: clinical testing. Allele origin: germline.

Diagnostic Laboratory, Department of Genetics, University Medical Center Groningen
Classification: Benign. Review status: no assertion criteria provided. Collection method: clinical testing. Allele origin: germline. Affected: yes. Study: VKGL Data-share Consensus. Not counted in ClinVar's aggregate classification.

Joint Genome Diagnostic Labs from Nijmegen and Maastricht, Radboudumc and MUMC+
Classification: Benign. Review status: no assertion criteria provided. Collection method: clinical testing. Allele origin: germline. Affected: yes. Study: VKGL Data-share Consensus. Not counted in ClinVar's aggregate classification.